The following is an entry in ClinVar:

NM_000155.4(GALT):c.1017C>T (p.Tyr339=)

Gene: GALT (galactose-1-phosphate uridylyltransferase; plus strand). Cytogenetic location: 9p13.3.
Variant type: single nucleotide variant.
Coding change: c.1017C>T on transcript NM_000155.4 (MANE Select); coding-DNA position 1017, C replaced by T.
Protein change: p.Tyr339=; no amino-acid change (tyrosine 339 retained).
Molecular consequence: synonymous variant.
Genome position (GRCh38, 1-based): chr9:34,649,522, C>T. VCF-style: chr9-34649522-C-T. GRCh37 (hg19) VCF-style: chr9-34649519-C-T.
Other names: c.690C>T, p.Tyr230= (NM_001258332.2).
Identifiers: ClinVar variation 1079632 (VCV001079632.12), dbSNP rs759417724, ClinGen allele CA5036273.

ClinVar aggregate classification (germline): Likely benign. Review status: criteria provided, multiple submitters, no conflicts (2 of 4 stars). 3 submissions from 3 submitters: Likely benign (2). 1 of the submissions does not count toward it. Last evaluated 2025-11-09.

Conditions:
GALT-related disorder. Also called: GALT-related condition.
Deficiency of UDPglucose-hexose-1-phosphate uridylyltransferase. Also called: GALACTOSEMIA I; GALACTOSE-1-PHOSPHATE URIDYLYLTRANSFERASE DEFICIENCY; Transferase Deficiency Galactosemia; GALT deficiency; Galactosemia, classic. Identifiers: Orphanet 352, Orphanet 79239, MedGen C0268151, MONDO:0009258, OMIM 230400.

Allele frequency attached by ClinVar (database versions not stated): TOPMed below 0.00001; gnomAD 0.00001; gnomAD exomes 0.00001 and 0.00002; ExAC 0.00004.
gnomAD v4.1: 22 of 1,614,176 alleles (0.0014%); highest among the groups gnomAD compares: South Asian, 0.0055%; no homozygotes.

Submissions (3):

Labcorp Genetics (formerly Invitae), Labcorp
Classification: Likely benign for Deficiency of UDPglucose-hexose-1-phosphate uridylyltransferase. Last evaluated: 2025-11-09. Review status: criteria provided, single submitter. Criteria: Invitae Variant Classification Sherloc (09022015). Collection method: clinical testing. Allele origin: germline.

Women's Health and Genetics/Laboratory Corporation of America, LabCorp
Classification: Likely benign. Last evaluated: 2021-07-22. Review status: criteria provided, single submitter. Criteria: LabCorp Variant Classification Summary - May 2015. Collection method: clinical testing. Allele origin: germline.
Comment: Variant summary: GALT c.1017C>T alters a conserved nucleotide resulting in a synonymous change. 4/4 computational tools predict no significant impact on normal splicing. However, these predictions have yet to be confirmed by functional studies. The variant allele was found at a frequency of 2.4e-05 in 251462 control chromosomes (gnomAD). The available data on variant occurrences in the general population are insufficient to allow any conclusion about variant significance. To our knowledge, no occurrence of c.1017C>T in individuals affected with Galactosemia and no experimental evidence demonstrating its impact on protein function have been reported. One ClinVar submitter (evaluation after 2014) cites the variant as likely benign. Based on the evidence outlined above, the variant was classified as likely benign.

PreventionGenetics, part of Exact Sciences
Classification: Likely benign for GALT-related condition. Last evaluated: 2021-10-26. Review status: no assertion criteria provided. Collection method: clinical testing. Allele origin: germline. Not counted in ClinVar's aggregate classification.
Comment: This variant is classified as likely benign based on ACMG/AMP sequence variant interpretation guidelines (Richards et al. 2015 PMID: 25741868, with internal and published modifications).